The following is an entry in ClinVar:

NM_172107.4(KCNQ2):c.222C>G (p.Tyr74Ter)

Gene: KCNQ2 (potassium voltage-gated channel subfamily Q member 2; minus strand). Cytogenetic location: 20q13.33.
Variant type: single nucleotide variant.
Coding change: c.222C>G on transcript NM_172107.4 (MANE Select); coding-DNA position 222, C replaced by G.
Protein change: p.Tyr74Ter; replaces tyrosine 74 with a stop codon.
Molecular consequence: nonsense.
Genome position (GRCh38, 1-based): chr20:63,472,242, G>C on the plus strand (C>G on the coding strand, the complement: KCNQ2 is on the minus strand). VCF-style: chr20-63472242-G-C. GRCh37 (hg19) VCF-style: chr20-62103595-G-C.
Other names: p.Y74*:TAC>TAG; c.222C>G, p.Tyr74Ter (NM_004518.6, NM_172106.3, NM_172108.5 and 1 more transcripts); short protein forms Y74*.
Identifiers: ClinVar variation 205859 (VCV000205859.3), dbSNP rs796052613, ClinGen allele CA315342.

ClinVar aggregate classification (germline): Pathogenic (1 of 4 stars; one submission).

Submission:

GeneDx
Classification: Pathogenic. Last evaluated: 2026-01-27. Review status: criteria provided, single submitter. Criteria: GeneDx Variant Classification Process June 2021. Collection method: clinical testing. Allele origin: germline. Affected: yes.
Comment: Identified in a patient with clinical features consistent with a KCNQ2-related disorder referred for genetic testing at GeneDx (PMID: 29655203); Nonsense variant predicted to result in protein truncation or nonsense mediated decay in a gene for which loss of function is a known mechanism of disease; Not observed at significant frequency in large population cohorts (gnomAD); This variant is associated with the following publications: (PMID: 29655203)